The following is an entry in ClinVar:

NM_001142966.3(GREB1L):c.4652A>C (p.Glu1551Ala)

Gene: GREB1L (GREB1 like retinoic acid receptor coactivator; plus strand). Cytogenetic location: 18q11.2.
Variant type: single nucleotide variant.
Coding change: c.4652A>C on transcript NM_001142966.3 (MANE Select); coding-DNA position 4652, A replaced by C.
Protein change: p.Glu1551Ala; replaces glutamic acid 1551 with alanine.
Molecular consequence: missense variant.
Genome position (GRCh38, 1-based): chr18:21,508,508, A>C. VCF-style: chr18-21508508-A-C. GRCh37 (hg19) VCF-style: chr18-19088469-A-C.
Other names: c.4781A>C, p.Glu1594Ala (NM_001410867.1); c.4325A>C, p.Glu1442Ala (NM_001410868.1); short protein forms E1551A, E1442A, E1594A.
Identifiers: ClinVar variation 3651497 (VCV003651497.2).

ClinVar aggregate classification (germline): Uncertain significance (1 of 4 stars; one submission).

Submission:

Labcorp Genetics (formerly Invitae), Labcorp
Classification: Uncertain significance. Last evaluated: 2024-04-29. Review status: criteria provided, single submitter. Criteria: Invitae Variant Classification Sherloc (09022015). Collection method: clinical testing. Allele origin: germline.
Comment: This sequence change replaces glutamic acid, which is acidic and polar, with alanine, which is neutral and non-polar, at codon 1551 of the GREB1L protein (p.Glu1551Ala). This variant is not present in population databases (gnomAD no frequency). This variant has not been reported in the literature in individuals affected with GREB1L-related conditions. An algorithm developed to predict the effect of missense changes on protein structure and function (PolyPhen-2) suggests that this variant is likely to be disruptive. In summary, the available evidence is currently insufficient to determine the role of this variant in disease. Therefore, it has been classified as a Variant of Uncertain Significance.